The following is an entry in ClinVar:

NM_203447.4(DOCK8):c.3032G>T (p.Arg1011Leu)

Gene: DOCK8 (dedicator of cytokinesis 8; plus strand). Cytogenetic location: 9p24.3.
Variant type: single nucleotide variant.
Coding change: c.3032G>T on transcript NM_203447.4 (MANE Select); coding-DNA position 3032, G replaced by T.
Protein change: p.Arg1011Leu; replaces arginine 1011 with leucine.
Molecular consequence: missense variant.
Genome position (GRCh38, 1-based): chr9:396,846, G>T. VCF-style: chr9-396846-G-T. GRCh37 (hg19) VCF-style: chr9-396846-G-T.
Other names: c.2732G>T, p.Arg911Leu (NM_001190458.2); c.2828G>T, p.Arg943Leu (NM_001193536.2); short protein forms R943L, R911L, R1011L.
Identifiers: ClinVar variation 2959619 (VCV002959619.3), dbSNP rs775921392, ClinGen allele CA4958473.

ClinVar aggregate classification (germline): Uncertain significance (1 of 4 stars; one submission).

Conditions:
Combined immunodeficiency due to DOCK8 deficiency (HIES2). Also called: HIES autosomal recessive; HYPER-IgE SYNDROME 2, AUTOSOMAL RECESSIVE, WITH RECURRENT INFECTIONS; HYPER-IgE RECURRENT INFECTION SYNDROME 2, AUTOSOMAL RECESSIVE; DOCK8 Deficiency; Hyper-IgE recurrent infection syndrome, autosomal recessive. Identifiers: Orphanet 217390, MedGen C4722305, MONDO:0009478, OMIM 243700.

gnomAD v4.1: 4 of 1,614,084 alleles (0.00025%); highest among the groups gnomAD compares: East Asian, 0.0089%; no homozygotes.

Submission:

Labcorp Genetics (formerly Invitae), Labcorp
Classification: Uncertain significance for Combined immunodeficiency due to DOCK8 deficiency. Last evaluated: 2025-07-31. Review status: criteria provided, single submitter. Criteria: Invitae Variant Classification Sherloc (09022015). Collection method: clinical testing. Allele origin: germline.
Comment: This sequence change replaces arginine, which is basic and polar, with leucine, which is neutral and non-polar, at codon 1011 of the DOCK8 protein (p.Arg1011Leu). This variant is present in population databases (rs775921392, gnomAD 0.02%). This variant has not been reported in the literature in individuals affected with DOCK8-related conditions. ClinVar contains an entry for this variant (Variation ID: 2959619). Invitae Evidence Modeling of protein sequence and biophysical properties (such as structural, functional, and spatial information, amino acid conservation, physicochemical variation, residue mobility, and thermodynamic stability) indicates that this missense variant is expected to disrupt DOCK8 protein function with a positive predictive value of 80%. In summary, the available evidence is currently insufficient to determine the role of this variant in disease. Therefore, it has been classified as a Variant of Uncertain Significance.